The following is an entry in ClinVar:

NM_000059.4(BRCA2):c.2556_2557insATCAGATT (p.Gln853fs)

Gene: BRCA2 (BRCA2 DNA repair associated; plus strand). Cytogenetic location: 13q13.1.
Variant type: Insertion.
Coding change: c.2556_2557insATCAGATT on transcript NM_000059.4 (MANE Select); coding-DNA positions 2556 to 2557, ATCAGATT inserted.
Protein change: p.Gln853fs; shifts the reading frame from glutamine 853.
Molecular consequence: frameshift variant. On other transcripts: non-coding transcript variant (1), intron variant (2).
Genome position: GRCh38 VCF-style: chr13-32336911-C-CATCAGATT. GRCh37 (hg19) VCF-style: chr13-32911048-C-CATCAGATT.
Other names: c.2556_2557insATCAGATT, p.Gln853fs (NM_001406719.1, NM_001406720.1); c.1909+3524_1909+3525insATCAGATT (NM_001406721.1); c.424+5881_424+5882insATCAGATT (NM_001406722.1); short protein forms Q853fs.
Identifiers: ClinVar variation 3076024 (VCV003076024.1), dbSNP rs2548524256, ClinGen allele CA913188615.

ClinVar aggregate classification (germline): Pathogenic (1 of 4 stars; one submission).

Conditions:
Hereditary breast ovarian cancer syndrome. Also called: Hereditary breast and ovarian cancer syndrome; Hereditary breast and ovarian cancer; Hereditary breast and ovarian cancer syndrome (HBOC); Breast and ovarian cancer; Hereditary breast and/or ovarian cancer syndrome; BRCA1- and BRCA2-Associated Hereditary Breast and Ovarian Cancer. Identifiers: Orphanet 145, MedGen C0677776, MeSH D061325, MONDO:0003582. Disease mechanism: loss of function.

Submission:

Laboratory for Molecular Medicine, Mass General Brigham Personalized Medicine
Classification: Pathogenic for Hereditary breast ovarian cancer syndrome. Last evaluated: 2017-08-03. Review status: criteria provided, single submitter. Criteria: ACMG Guidelines, 2015. Collection method: clinical testing. Allele origin: germline. Inheritance: Autosomal dominant inheritance.
Comment: The p.Gln853Ilefs variant in BRCA2 has not been previously reported in individuals with hereditary breast and ovarian cancer (HBOC) or in large population studies, though the ability of these studies to accurately detect indels may be limited. This variant is predicted to cause a frameshift, which alters the protein's amino acid sequence beginning at position 853 and leads to a premature termination codon 8 amino acids downstream. This alteration is then predicted to lead to a truncated or absent protein. Heterozygous loss of function of the BRCA2 gene is an established disease mechanism in individuals with hereditary breast and ovarian cancer. In summary, this variant meets our criteria to be classified as pathogenic for HBOC in an autosomal dominant manner based on predicted impact to the protein.